The following is an entry in ClinVar:

ClinVar aggregate classification (germline): Uncertain significance. Review status: criteria provided, multiple submitters, no conflicts (2 of 4 stars). 5 submissions from 5 submitters: Uncertain significance (5). Last evaluated 2023-07-19.

Conditions:
Juvenile myelomonocytic leukemia (JMML). Also called: LEUKEMIA, JUVENILE MYELOMONOCYTIC, SOMATIC. Identifiers: Orphanet 86834, MedGen C0349639, MONDO:0011908, OMIM 607785, HP:0012209.
Neurofibromatosis, type 1 (NF1). Also called: Peripheral type neurofibromatosis; Neurofibromatosis, type I; VON RECKLINGHAUSEN DISEASE; NEUROFIBROMATOSIS, TYPE I, SOMATIC. Identifiers: Orphanet 636, MedGen C0027831, MONDO:0018975, OMIM 162200. Disease mechanism: loss of function.

Allele frequency attached by ClinVar (database versions not stated): ESP Exome Variant Server 0.00008.

Submissions (5):

Baylor Genetics
Classification: Uncertain significance for Juvenile myelomonocytic leukemia. Last evaluated: 2023-07-19. Review status: criteria provided, single submitter. Criteria: ACMG Guidelines, 2015. Collection method: clinical testing. Allele origin: unknown.

Blueprint Genetics
Classification: Uncertain significance. Last evaluated: 2022-05-09. Review status: criteria provided, single submitter. Criteria: ACMG Guidelines, 2015. Collection method: clinical testing. Allele origin: germline.

Genome-Nilou Lab
Classification: Uncertain significance for Neurofibromatosis, type 1. Last evaluated: 2022-03-15. Review status: criteria provided, single submitter. Criteria: ACMG Guidelines, 2015. Collection method: clinical testing. Allele origin: germline. Affected: no.

Labcorp Genetics (formerly Invitae), Labcorp
Classification: Uncertain significance for Neurofibromatosis, type 1. Last evaluated: 2021-09-26. Review status: criteria provided, single submitter. Criteria: Invitae Variant Classification Sherloc (09022015). Collection method: clinical testing. Allele origin: germline.
Comment: ClinVar contains an entry for this variant (Variation ID: 237597). In summary, the available evidence is currently insufficient to determine the role of this variant in disease. Therefore, it has been classified as a Variant of Uncertain Significance. Algorithms developed to predict the effect of missense changes on protein structure and function are either unavailable or do not agree on the potential impact of this missense change (SIFT: "Deleterious"; PolyPhen-2: "Benign"; Align-GVGD: "Class C0"). This variant has not been reported in the literature in individuals affected with NF1-related conditions. This variant is not present in population databases (ExAC no frequency). This sequence change replaces glycine with aspartic acid at codon 2478 of the NF1 protein (p.Gly2478Asp). The glycine residue is moderately conserved and there is a moderate physicochemical difference between glycine and aspartic acid.

GeneDx
Classification: Uncertain significance. Last evaluated: 2019-06-28. Review status: criteria provided, single submitter. Criteria: GeneDx Variant Classification Process June 2021. Collection method: clinical testing. Allele origin: germline. Affected: yes.
Comment: Not observed in large population cohorts (Lek et al., 2016); In silico analysis, which includes protein predictors and evolutionary conservation, supports that this variant does not alter protein structure/function; Has not been previously published as pathogenic or benign to our knowledge

NM_001042492.3(NF1):c.7496G>A (p.Gly2499Asp)

Gene: NF1 (neurofibromin 1; plus strand). Cytogenetic location: 17q11.2.
Variant type: single nucleotide variant.
Coding change: c.7496G>A on transcript NM_001042492.3 (MANE Select); coding-DNA position 7496, G replaced by A.
Protein change: p.Gly2499Asp; replaces glycine 2499 with aspartic acid.
Molecular consequence: missense variant.
Genome position (GRCh38, 1-based): chr17:31,352,295, G>A. VCF-style: chr17-31352295-G-A. GRCh37 (hg19) VCF-style: chr17-29679313-G-A.
Other names: c.7433G>A, p.Gly2478Asp (NM_000267.4); short protein forms G2478D, G2499D.
Identifiers: ClinVar variation 237597 (VCV000237597.12), dbSNP rs375176282, ClinGen allele CA10583526.